The following is an entry in ClinVar:

NM_000179.3(MSH6):c.458-329_458-328del

Gene: MSH6 (mutS homolog 6; plus strand). Cytogenetic location: 2p16.3.
Variant type: Deletion.
Coding change: c.458-329_458-328del on transcript NM_000179.3 (MANE Select); 329 bases into the intron before coding-DNA position 458 through 328 bases into the intron before coding-DNA position 458, 2 bases deleted (AA; older notation c.458-329_458-328delAA).
Molecular consequence: intron variant. On other transcripts: 5 prime UTR variant (1).
Genome position (GRCh38, 1-based): chr2:47,795,565-47,795,566, AA deleted. VCF-style (leftmost placement, unchanged base first): chr2-47795564-TAA-T. GRCh37 (hg19) VCF-style: chr2-48022703-TAA-T.
Other names: c.-397_-396del (NM_001406807.1); c.458-329_458-328del (NM_001406809.1, NM_001406796.1, NM_001406808.1 and 5 more transcripts); c.-279-3046_-279-3045del (NM_001406811.1, NM_001281493.2, NM_001406812.1 and 4 more transcripts); c.161-329_161-328del (NM_001406805.1, NM_001406797.1, NM_001406801.1 and 10 more transcripts); c.554-329_554-328del (NM_001406795.1, NM_001406802.1); c.464-329_464-328del (NM_001406813.1); c.-537-329_-537-328del (NM_001406814.1); c.-68-329_-68-328del (NM_001406799.1, NM_001406806.1); and 4 more.
Identifiers: ClinVar variation 4860404 (VCV004860404.1).

ClinVar aggregate classification (germline): Uncertain significance (1 of 4 stars; one submission).

Conditions:
Hereditary cancer-predisposing syndrome. Also called: Neoplastic Syndromes, Hereditary; Tumor predisposition; Hereditary Cancer Syndrome; Hereditary neoplastic syndrome. Identifiers: Orphanet 140162, MedGen C0027672, MeSH D009386, MONDO:0015356.

Submission:

Ambry Genetics
Classification: Uncertain significance for Hereditary cancer-predisposing syndrome. Last evaluated: 2026-04-29. Review status: criteria provided, single submitter. Criteria: Ambry Variant Classification Scheme 2023. Collection method: clinical testing. Allele origin: germline.
Comment: The c.458-329_458-328delAA intronic variant, located in intron 2 of the MSH6 gene, results from a deletion of two nucleotides at positions c.458-329 and c.458-328 within intron 2 of the MSH6 gene. These nucleotide positions are conserved on limited sequence alignment. In silico splice site analysis for this alteration is inconclusive; however, direct evidence is insufficient at this time (Ambry internal data). Based on the available evidence, the clinical significance of this variant remains unclear.